The following is an entry in ClinVar:

NM_018669.6(WDR4):c.463C>G (p.Pro155Ala)

Gene: WDR4 (WDR4 tRNA N7-guanosine methyltransferase non-catalytic subunit; minus strand). Cytogenetic location: 21q22.3.
Variant type: single nucleotide variant.
Coding change: c.463C>G on transcript NM_018669.6 (MANE Select); coding-DNA position 463, C replaced by G.
Protein change: p.Pro155Ala; replaces proline 155 with alanine.
Molecular consequence: missense variant. On other transcripts: non-coding transcript variant (1).
Genome position (GRCh38, 1-based): chr21:42,862,385, G>C on the plus strand (C>G on the coding strand, the complement: WDR4 is on the minus strand). VCF-style: chr21-42862385-G-C. GRCh37 (hg19) VCF-style: chr21-44282495-G-C.
Other names: c.463C>G, p.Pro155Ala (NM_001260474.2, NM_033661.5); c.25C>G, p.Pro9Ala (NM_001260475.2, NM_001260476.2, NM_001260477.2 and 1 more transcripts); c.463C>G (NM_018669.4); short protein forms P155A, P9A.
Identifiers: ClinVar variation 2078100 (VCV002078100.3), dbSNP rs193280002, ClinGen allele CA10046087.

ClinVar aggregate classification (germline): Uncertain significance. Review status: criteria provided, multiple submitters, no conflicts (2 of 4 stars). 2 submissions from 2 submitters: Uncertain significance (2). Last evaluated 2025-10-14.

Conditions:
Inborn genetic diseases. Identifiers: MedGen C0950123, MeSH D030342.

Allele frequency attached by ClinVar (database versions not stated): ExAC 0.00011; TOPMed 0.00036; gnomAD exomes 0.00003; 1000 Genomes Project 30x 0.00078; ESP Exome Variant Server 0.00023; gnomAD 0.00032; 1000 Genomes Project 0.00060.
gnomAD v4.1: 88 of 1,606,590 alleles (0.0055%); highest among the groups gnomAD compares: African/African-American, 0.095%; no homozygotes.

Submissions (2):

Ambry Genetics
Classification: Uncertain significance for Inborn genetic diseases. Last evaluated: 2025-10-14. Review status: criteria provided, single submitter. Criteria: Ambry Variant Classification Scheme 2023. Collection method: clinical testing. Allele origin: germline.

Labcorp Genetics (formerly Invitae), Labcorp
Classification: Uncertain significance. Last evaluated: 2022-09-07. Review status: criteria provided, single submitter. Criteria: Invitae Variant Classification Sherloc (09022015). Collection method: clinical testing. Allele origin: germline.
Comment: In summary, the available evidence is currently insufficient to determine the role of this variant in disease. Therefore, it has been classified as a Variant of Uncertain Significance. Algorithms developed to predict the effect of missense changes on protein structure and function output the following: SIFT: "Tolerated"; PolyPhen-2: "Possibly Damaging"; Align-GVGD: "Class C0". The alanine amino acid residue is found in multiple mammalian species, which suggests that this missense change does not adversely affect protein function. This variant has not been reported in the literature in individuals affected with WDR4-related conditions. This variant is present in population databases (rs193280002, gnomAD 0.1%). This sequence change replaces proline, which is neutral and non-polar, with alanine, which is neutral and non-polar, at codon 155 of the WDR4 protein (p.Pro155Ala).